The following is an entry in ClinVar:

ClinVar aggregate classification (germline): Uncertain significance (1 of 4 stars; one submission).

Conditions:
RYR1-related disorder. Also called: RYR1-related disorders; RYR1-related condition. Identifiers: MedGen CN239331.

Submission:

Labcorp Genetics (formerly Invitae), Labcorp
Classification: Uncertain significance for RYR1-related disorder. Last evaluated: 2019-01-20. Review status: criteria provided, single submitter. Criteria: Invitae Variant Classification Sherloc (09022015). Collection method: clinical testing. Allele origin: germline.
Comment: Algorithms developed to predict the effect of missense changes on protein structure and function are either unavailable or do not agree on the potential impact of this missense change (SIFT: "Deleterious"; PolyPhen-2: "Probably Damaging"; Align-GVGD: "Class C0"). This missense change is located in a region of the RYR1 protein where a significant number of previously reported RYR1 missense mutations are found (PMID: 16084090). These observations suggest that a previously unreported missense substitution within this region may affect protein function, but experiments have not been done to test this possibility. In summary, the available evidence is currently insufficient to determine the role of this variant in disease. Therefore, it has been classified as a Variant of Uncertain Significance. This variant has not been reported in the literature in individuals with RYR1-related conditions. This sequence change replaces threonine with asparagine at codon 311 of the RYR1 protein (p.Thr311Asn). The threonine residue is highly conserved and there is a small physicochemical difference between threonine and asparagine. This variant is not present in population databases (ExAC no frequency).

Literature cited by the submitters: PubMed 16084090.

NM_000540.3(RYR1):c.932C>A (p.Thr311Asn)

Gene: RYR1 (ryanodine receptor 1; plus strand). Cytogenetic location: 19q13.2.
Variant type: single nucleotide variant.
Coding change: c.932C>A on transcript NM_000540.3 (MANE Select); coding-DNA position 932, C replaced by A.
Protein change: p.Thr311Asn; replaces threonine 311 with asparagine.
Molecular consequence: missense variant.
Genome position (GRCh38, 1-based): chr19:38,448,486, C>A. VCF-style: chr19-38448486-C-A. GRCh37 (hg19) VCF-style: chr19-38939126-C-A.
Other names: c.932C>A, p.Thr311Asn (NM_001042723.2); short protein forms T311N.
Identifiers: ClinVar variation 864258 (VCV000864258.9), dbSNP rs1966904561, ClinGen allele CA405682306.